The following is an entry in ClinVar:

ClinVar aggregate classification (germline): Pathogenic (1 of 4 stars; one submission).

Submission:

Labcorp Genetics (formerly Invitae), Labcorp
Classification: Pathogenic. Last evaluated: 2020-03-07. Review status: criteria provided, single submitter. Criteria: Invitae Variant Classification Sherloc (09022015). Collection method: clinical testing. Allele origin: germline.
Comment: This variant is an out-of-frame deletion of the genomic region encompassing exon 33 (:c.6326-7_6486-299delinsAC) of the USH2A gene. This is expected to create a premature translational stop signal and result in an absent or disrupted protein product. This variant has not been reported in the literature in individuals with USH2A-related conditions. Loss-of-function variants in USH2A are known to be pathogenic (PMID: 10729113, 10909849, 20507924, 25649381). For these reasons, this variant has been classified as Pathogenic.

Literature cited by the submitters: PubMed 10729113; PubMed 10909849; PubMed 20507924; PubMed 25649381.

NC_000001.10:g.(?_216172699)_216173911del

Gene: USH2A (usherin; minus strand).
Variant type: Deletion.
Identifiers: ClinVar variation 1074582 (VCV001074582.2).